The following is an entry in ClinVar:

NM_001851.6(COL9A1):c.2076A>T (p.Glu692Asp)

Gene: COL9A1 (collagen type IX alpha 1 chain; minus strand). Cytogenetic location: 6q13.
Variant type: single nucleotide variant.
Coding change: c.2076A>T on transcript NM_001851.6 (MANE Select); coding-DNA position 2076, A replaced by T.
Protein change: p.Glu692Asp; replaces glutamic acid 692 with aspartic acid.
Molecular consequence: missense variant. On other transcripts: non-coding transcript variant (1).
Genome position (GRCh38, 1-based): chr6:70,240,692, T>A on the plus strand (A>T on the coding strand, the complement: COL9A1 is on the minus strand). VCF-style: chr6-70240692-T-A. GRCh37 (hg19) VCF-style: chr6-70950395-T-A.
Other names: c.1377A>T, p.Glu459Asp (NM_001377289.1); c.1347A>T, p.Glu449Asp (NM_001377290.1, NM_078485.4); short protein forms E459D, E449D, E692D.
Identifiers: ClinVar variation 1487485 (VCV001487485.8), dbSNP rs557157592, ClinGen allele CA140858917.

ClinVar aggregate classification (germline): Uncertain significance (1 of 4 stars; one submission).

gnomAD v4.1: 8 of 1,611,736 alleles (0.0005%); highest among the groups gnomAD compares: East Asian, 0.0045%; no homozygotes.

Submission:

Labcorp Genetics (formerly Invitae), Labcorp
Classification: Uncertain significance. Last evaluated: 2020-11-21. Review status: criteria provided, single submitter. Criteria: Invitae Variant Classification Sherloc (09022015). Collection method: clinical testing. Allele origin: germline.
Comment: This sequence change replaces glutamic acid with aspartic acid at codon 692 of the COL9A1 protein (p.Glu692Asp). The glutamic acid residue is moderately conserved and there is a small physicochemical difference between glutamic acid and aspartic acid. This variant is not present in population databases (ExAC no frequency). This variant has not been reported in the literature in individuals with COL9A1-related conditions. Advanced modeling of protein sequence and biophysical properties (such as structural, functional, and spatial information, amino acid conservation, physicochemical variation, residue mobility, and thermodynamic stability) performed at Invitae indicates that this missense variant is not expected to disrupt COL9A1 protein function. In summary, the available evidence is currently insufficient to determine the role of this variant in disease. Therefore, it has been classified as a Variant of Uncertain Significance.